The following is an entry in ClinVar:

NM_000161.3(GCH1):c.626+6T>G

Gene: GCH1 (GTP cyclohydrolase 1; minus strand). Cytogenetic location: 14q22.2.
Variant type: single nucleotide variant.
Coding change: c.626+6T>G on transcript NM_000161.3 (MANE Select); 6 bases into the intron after coding-DNA position 626, T replaced by G.
Molecular consequence: intron variant.
Genome position (GRCh38, 1-based): chr14:54,845,762, A>C on the plus strand (T>G on the coding strand, the complement: GCH1 is on the minus strand). VCF-style: chr14-54845762-A-C. GRCh37 (hg19) VCF-style: chr14-55312480-A-C.
Other names: c.510-2708T>G (NM_001424104.1); c.626+6T>G (NM_001024071.2, NM_001024070.2, NM_001024024.2); c.332+6T>G (NM_001424105.1).
Identifiers: ClinVar variation 2945693 (VCV002945693.3), dbSNP rs2504342804, ClinGen allele CA2740097084.

ClinVar aggregate classification (germline): Uncertain significance (1 of 4 stars; one submission).

Conditions:
GTP cyclohydrolase I deficiency. Identifiers: MedGen C0268467, MONDO:0100184.
Dystonia 5 (DRD). Also called: DYSTONIA, PROGRESSIVE, WITH DIURNAL VARIATION; DYSTONIA-PARKINSONISM WITH DIURNAL FLUCTUATION; GTP Cyclohydrolase 1-Deficient Dopa-Responsive Dystonia; DYT-GCH1; Dystonia, DOPA-responsive, with or without hyperphenylalaninemia. Identifiers: Orphanet 98808, MedGen C1851920, MONDO:0007495, OMIM 128230.

Submission:

Labcorp Genetics (formerly Invitae), Labcorp
Classification: Uncertain significance for GTP cyclohydrolase I deficiency; Dystonia 5. Last evaluated: 2023-05-16. Review status: criteria provided, single submitter. Criteria: Invitae Variant Classification Sherloc (09022015). Collection method: clinical testing. Allele origin: germline.
Comment: In summary, the available evidence is currently insufficient to determine the role of this variant in disease. Therefore, it has been classified as a Variant of Uncertain Significance. Variants that disrupt the consensus splice site are a relatively common cause of aberrant splicing (PMID: 17576681, 9536098). Algorithms developed to predict the effect of sequence changes on RNA splicing suggest that this variant may disrupt the consensus splice site. This variant has not been reported in the literature in individuals affected with GCH1-related conditions. This variant is not present in population databases (gnomAD no frequency). This sequence change falls in intron 5 of the GCH1 gene. It does not directly change the encoded amino acid sequence of the GCH1 protein. It affects a nucleotide within the consensus splice site.

Literature cited by the submitters: PubMed 17576681; PubMed 9536098.